The following is an entry in ClinVar:

ClinVar aggregate classification (germline): Likely benign. Review status: criteria provided, multiple submitters, no conflicts (2 of 4 stars). 2 submissions from 2 submitters: Likely benign (2). Last evaluated 2024-11-27.

Conditions:
Familial cold autoinflammatory syndrome 2 (FCAS2). Identifiers: Orphanet 247868, MedGen C2673198, MONDO:0012724, OMIM 611762.

Allele frequency attached by ClinVar (database versions not stated): gnomAD 0.00001; gnomAD exomes 0.00001 and 0.00002; ExAC 0.00002; ESP Exome Variant Server 0.00008.
gnomAD v4.1: 25 of 1,613,920 alleles (0.0015%); highest among the groups gnomAD compares: Non-Finnish European, 0.0021%; no homozygotes.

Submissions (2):

Labcorp Genetics (formerly Invitae), Labcorp
Classification: Likely benign for Familial cold autoinflammatory syndrome 2. Last evaluated: 2024-11-27. Review status: criteria provided, single submitter. Criteria: Invitae Variant Classification Sherloc (09022015). Collection method: clinical testing. Allele origin: germline.

CeGaT Center for Human Genetics Tuebingen
Classification: Likely benign. Last evaluated: 2022-03-01. Review status: criteria provided, single submitter. Criteria: CeGaT Center For Human Genetics Tuebingen Variant Classification Criteria Version 2. Collection method: clinical testing. Allele origin: germline. Affected: yes. Observed: 1 variant allele.
Comment: NLRP12: BP4, BP7

NM_144687.4(NLRP12):c.66T>C (p.Ala22=)

Gene: NLRP12 (NLR family pyrin domain containing 12; minus strand). Cytogenetic location: 19q13.42.
Variant type: single nucleotide variant.
Coding change: c.66T>C on transcript NM_144687.4 (MANE Select); coding-DNA position 66, T replaced by C.
Protein change: p.Ala22=; no amino-acid change (alanine 22 retained).
Molecular consequence: synonymous variant.
Genome position (GRCh38, 1-based): chr19:53,824,109, A>G on the plus strand (T>C on the coding strand, the complement: NLRP12 is on the minus strand). VCF-style: chr19-53824109-A-G. GRCh37 (hg19) VCF-style: chr19-54327363-A-G.
Other names: c.66T>C, p.Ala22= (NM_001277126.2, NM_001277129.1).
Identifiers: ClinVar variation 1675758 (VCV001675758.36), dbSNP rs376521503, ClinGen allele CA9639844.
Genomic context (GRCh38, chr19:53,824,109, plus strand): 5'-CTTGCCTTCTCCCAGCTCTGTCGCGGTCCCCAGGTATAACTTGAACTTCTTCAGTTCCAC[A>G]GCCTCGAGTTCTTCCAAGTAGGTGGACAGGCGACAGAGGCCGTCCCTGCCTGCGGTTCGT-3'
Protein context (NP_653288.1, residues 12-32): RLSTYLEELE[Ala22=]VELKKFKLYL